The following is an entry in ClinVar:

NM_058216.3(RAD51C):c.601C>T (p.Leu201Phe)

Genes: RAD51C (RAD51 paralog C; plus strand), LOC129390903 (MPRA-validated peak2919 silencer; plus strand). Cytogenetic location: 17q22.
Variant type: single nucleotide variant.
Coding change: c.601C>T on transcript NM_058216.3 (MANE Select); coding-DNA position 601, C replaced by T.
Protein change: p.Leu201Phe; replaces leucine 201 with phenylalanine.
Molecular consequence: missense variant. On other transcripts: non-coding transcript variant (1).
Genome position (GRCh38, 1-based): chr17:58,703,225, C>T. VCF-style: chr17-58703225-C-T. GRCh37 (hg19) VCF-style: chr17-56780586-C-T.
Other names: c.*29C>T (NM_058217.1); short protein forms L201F.
Identifiers: ClinVar variation 2847263 (VCV002847263.3), dbSNP rs531838785, ClinGen allele CA400349250.

ClinVar aggregate classification (germline): Uncertain significance (1 of 4 stars; one submission).

Conditions:
Fanconi anemia complementation group O. Also called: RAD51C-Related Fanconi Anemia. Identifiers: Orphanet 84, MedGen C3150653, MONDO:0013248, OMIM 613390.

Submission:

Labcorp Genetics (formerly Invitae), Labcorp
Classification: Uncertain significance for Fanconi anemia complementation group O. Last evaluated: 2023-03-18. Review status: criteria provided, single submitter. Criteria: Invitae Variant Classification Sherloc (09022015). Collection method: clinical testing. Allele origin: germline.
Comment: This sequence change replaces leucine, which is neutral and non-polar, with phenylalanine, which is neutral and non-polar, at codon 201 of the RAD51C protein (p.Leu201Phe). This variant is not present in population databases (gnomAD no frequency). This variant has not been reported in the literature in individuals affected with RAD51C-related conditions. Advanced modeling of protein sequence and biophysical properties (such as structural, functional, and spatial information, amino acid conservation, physicochemical variation, residue mobility, and thermodynamic stability) performed at Invitae indicates that this missense variant is not expected to disrupt RAD51C protein function. In summary, the available evidence is currently insufficient to determine the role of this variant in disease. Therefore, it has been classified as a Variant of Uncertain Significance.